The following is an entry in ClinVar:

NM_002180.3(IGHMBP2):c.927G>T (p.Lys309Asn)

Gene: IGHMBP2 (immunoglobulin mu DNA binding protein 2; plus strand). Cytogenetic location: 11q13.3.
Variant type: single nucleotide variant.
Coding change: c.927G>T on transcript NM_002180.3 (MANE Select); coding-DNA position 927, G replaced by T.
Protein change: p.Lys309Asn; replaces lysine 309 with asparagine.
Molecular consequence: missense variant.
Genome position (GRCh38, 1-based): chr11:68,917,750, G>T. VCF-style: chr11-68917750-G-T. GRCh37 (hg19) VCF-style: chr11-68685218-G-T.
Other names: short protein forms K309N.
Identifiers: ClinVar variation 949377 (VCV000949377.10), dbSNP rs1858724192, ClinGen allele CA381644748.

ClinVar aggregate classification (germline): Uncertain significance (1 of 4 stars; one submission).

Conditions:
Autosomal recessive distal spinal muscular atrophy 1. Also called: NEURONOPATHY, SEVERE INFANTILE AXONAL, WITH RESPIRATORY FAILURE; SEVERE INFANTILE AXONAL NEUROPATHY WITH RESPIRATORY FAILURE; NEURONOPATHY, DISTAL HEREDITARY MOTOR, HARDING TYPE VI; NEUROPATHY, DISTAL HEREDITARY MOTOR, AUTOSOMAL RECESSIVE 1; SPINAL MUSCULAR ATROPHY, DIAPHRAGMATIC; Spinal muscular atrophy with respiratory distress 1. Identifiers: Orphanet 98920, MedGen C1858517, MONDO:0011436, OMIM 604320.
Charcot-Marie-Tooth disease axonal type 2S. Also called: CHARCOT-MARIE-TOOTH NEUROPATHY, TYPE 2S; CHARCOT-MARIE-TOOTH DISEASE, AXONAL, AUTOSOMAL RECESSIVE, TYPE 2S. Identifiers: Orphanet 443073, MedGen C4015349, MONDO:0014511, OMIM 616155.

Submission:

Labcorp Genetics (formerly Invitae), Labcorp
Classification: Uncertain significance for Autosomal recessive distal spinal muscular atrophy 1; Charcot-Marie-Tooth disease axonal type 2S. Last evaluated: 2019-05-16. Review status: criteria provided, single submitter. Criteria: Invitae Variant Classification Sherloc (09022015). Collection method: clinical testing. Allele origin: germline.
Comment: This sequence change replaces lysine with asparagine at codon 309 of the IGHMBP2 protein (p.Lys309Asn). The lysine residue is moderately conserved and there is a moderate physicochemical difference between lysine and asparagine. This variant is not present in population databases (ExAC no frequency). This variant has not been reported in the literature in individuals with IGHMBP2-related conditions. Algorithms developed to predict the effect of missense changes on protein structure and function (SIFT, PolyPhen-2, Align-GVGD) all suggest that this variant is likely to be tolerated, but these predictions have not been confirmed by published functional studies and their clinical significance is uncertain. In summary, the available evidence is currently insufficient to determine the role of this variant in disease. Therefore, it has been classified as a Variant of Uncertain Significance.